The following is an entry in ClinVar:

NM_001567.4(INPPL1):c.1946G>A (p.Arg649Gln)

Gene: INPPL1 (inositol polyphosphate phosphatase like 1; plus strand). Cytogenetic location: 11q13.4.
Variant type: single nucleotide variant.
Coding change: c.1946G>A on transcript NM_001567.4 (MANE Select); coding-DNA position 1946, G replaced by A.
Protein change: p.Arg649Gln; replaces arginine 649 with glutamine.
Molecular consequence: missense variant.
Genome position (GRCh38, 1-based): chr11:72,232,969, G>A. VCF-style: chr11-72232969-G-A. GRCh37 (hg19) VCF-style: chr11-71944013-G-A.
Other names: short protein forms R649Q.
Identifiers: ClinVar variation 1052444 (VCV001052444.6), dbSNP rs955272771, ClinGen allele CA224378170.

ClinVar aggregate classification (germline): Uncertain significance (1 of 4 stars; one submission).

Allele frequency attached by ClinVar (database versions not stated): gnomAD exomes below 0.00001; gnomAD 0.00001; TOPMed 0.00001.

Submission:

Labcorp Genetics (formerly Invitae), Labcorp
Classification: Uncertain significance. Last evaluated: 2022-07-19. Review status: criteria provided, single submitter. Criteria: Invitae Variant Classification Sherloc (09022015). Collection method: clinical testing. Allele origin: germline.
Comment: This sequence change replaces arginine, which is basic and polar, with glutamine, which is neutral and polar, at codon 649 of the INPPL1 protein (p.Arg649Gln). This variant is not present in population databases (gnomAD no frequency). This variant has not been reported in the literature in individuals affected with INPPL1-related conditions. ClinVar contains an entry for this variant (Variation ID: 1052444). Algorithms developed to predict the effect of missense changes on protein structure and function (SIFT, PolyPhen-2, Align-GVGD) all suggest that this variant is likely to be tolerated. In summary, the available evidence is currently insufficient to determine the role of this variant in disease. Therefore, it has been classified as a Variant of Uncertain Significance.